The following is an entry in ClinVar:

ClinVar aggregate classification (germline): Likely pathogenic. Review status: criteria provided, single submitter (1 of 4 stars). 2 submissions from 2 submitters: Likely pathogenic (1). 1 of the submissions does not count toward it. Last evaluated 2025-10-07.

Conditions:
Corneal dystrophy-perceptive deafness syndrome (CDPD). Also called: CORNEAL DYSTROPHY AND SENSORINEURAL DEAFNESS; HARBOYAN SYNDROME. Identifiers: Orphanet 1490, MedGen C1857572, MONDO:0009015, OMIM 217400.
Corneal dystrophy, Fuchs endothelial, 4 (FECD4). Identifiers: Orphanet 98974, MedGen C2750450, MONDO:0013204, OMIM 613268.

Submissions (2):

Women's Health and Genetics/Laboratory Corporation of America, LabCorp
Classification: Likely pathogenic for Corneal dystrophy-perceptive deafness syndrome. Last evaluated: 2025-10-07. Review status: criteria provided, single submitter. Criteria: LabCorp Variant Classification Summary - May 2015. Collection method: clinical testing. Allele origin: germline.
Comment: Variant summary: SLC4A11 c.2126G>A (p.Gly709Glu) results in a non-conservative amino acid change in the encoded protein sequence. Algorithms developed to predict the effect of missense changes on protein structure and function all suggest that this variant is likely to be disruptive. The variant was absent in 250522 control chromosomes (gnomAD). c.2126G>A has been observed in an individual affected with Fuchs endothelial corneal dystrophy (Vithana_2008). At least one publication reports experimental evidence evaluating an impact on protein function. The most pronounced variant effect results in <10% of normal mature SSLC4A11, as well as disrupted cellular localization (Vithana_2008). The following publication has been ascertained in the context of this evaluation (PMID: 18024964). ClinVar contains an entry for this variant (Variation ID: 1320). Based on the evidence outlined above, the variant was classified as likely pathogenic.

OMIM
Classification: Pathogenic for CORNEAL DYSTROPHY, FUCHS ENDOTHELIAL, 4. Last evaluated: 2006-07-01. Review status: no assertion criteria provided. Collection method: literature only. Allele origin: germline. Not counted in ClinVar's aggregate classification.

Literature cited by the submitters: PubMed 18024964 (cited by Women's Health and Genetics/Laboratory Corporation of America, LabCorp); PubMed 16767101 (cited by OMIM).

NM_001174089.2(SLC4A11):c.2078G>A (p.Gly693Glu)

Gene: SLC4A11 (solute carrier family 4 member 11; minus strand). Cytogenetic location: 20p13.
Variant type: single nucleotide variant.
Coding change: c.2078G>A on transcript NM_001174089.2 (MANE Select); coding-DNA position 2078, G replaced by A.
Protein change: p.Gly693Glu; replaces glycine 693 with glutamic acid.
Molecular consequence: missense variant. On other transcripts: non-coding transcript variant (1).
Genome position (GRCh38, 1-based): chr20:3,228,952, C>T on the plus strand (G>A on the coding strand, the complement: SLC4A11 is on the minus strand). VCF-style: chr20-3228952-C-T. GRCh37 (hg19) VCF-style: chr20-3209598-C-T.
Other names: c.2207G>A, p.Gly736Glu (NM_001174090.2); c.1964G>A, p.Gly655Glu (NM_001363745.2); c.2126G>A, p.Gly709Glu (NM_032034.4); short protein forms G709E, G693E, G736E, G655E.
Identifiers: ClinVar variation 1320 (VCV000001320.2), dbSNP rs267607064, ClinGen allele CA114924.